The following is an entry in ClinVar:

ClinVar aggregate classification (germline): Conflicting classifications of pathogenicity. Review status: criteria provided, conflicting classifications (1 of 4 stars). 8 submissions from 4 submitters: Uncertain significance (7); Likely benign (1). Last evaluated 2026-06-07.

Conditions:
Congenital myasthenic syndrome 16. Identifiers: Orphanet 590, MedGen C3280112, MONDO:0013620, OMIM 614198.
Inborn genetic diseases. Identifiers: MedGen C0950123, MeSH D030342.
Paramyotonia congenita of Von Eulenburg. Also called: Paramyotonia Congenita; PARALYSIS PERIODICA PARAMYOTONICA; Eulenburg disease; Myotonia congenita intermittens; Von Eulenburg paramyotonia congenita. Identifiers: Orphanet 684, MedGen C0221055, MONDO:0008195, OMIM 168300. Disease mechanism: loss of function.
Hyperkalemic periodic paralysis. Also called: Familial hyperkalemic periodic paralysis; Gamstorp disease. Identifiers: Orphanet 682, MedGen C0238357, MONDO:0008224, OMIM 170500, HP:0007215.
Potassium-aggravated myotonia. Also called: Myotonia congenita, atypical, acetazolamide-responsive; MYOTONIA CONGENITA, ACETAZOLAMIDE-RESPONSIVE; MYOTONIA CONGENITA, ATYPICAL; SODIUM CHANNEL MUSCLE DISEASE. Identifiers: Orphanet 612, Orphanet 99734, Orphanet 99735, Orphanet 99736, MedGen C2931826, MONDO:0018959, OMIM 608390.
Hypokalemic periodic paralysis, type 2 (HOKPP2). Identifiers: Orphanet 681, MedGen C2750061, MONDO:0013234, OMIM 613345.

Allele frequency attached by ClinVar (database versions not stated): ExAC 0.00003; gnomAD exomes 0.00005 and 0.00001; TOPMed 0.00002; 1000 Genomes Project 0.00020; gnomAD 0.00001 and 0.00002; 1000 Genomes Project 30x 0.00031.

Submissions (8):

GeneDx
Classification: Uncertain significance. Last evaluated: 2026-06-07. Review status: criteria provided, single submitter. Criteria: GeneDx Variant Classification Process June 2021. Collection method: clinical testing. Allele origin: germline.
Comment: In silico analysis supports that this missense variant has a deleterious effect on protein structure/function; Has not been previously published as pathogenic or benign to our knowledge

Labcorp Genetics (formerly Invitae), Labcorp
Classification: Uncertain significance for Hyperkalemic periodic paralysis. Last evaluated: 2022-09-24. Review status: criteria provided, single submitter. Criteria: Invitae Variant Classification Sherloc (09022015). Collection method: clinical testing. Allele origin: germline.
Comment: In summary, the available evidence is currently insufficient to determine the role of this variant in disease. Therefore, it has been classified as a Variant of Uncertain Significance. Advanced modeling of protein sequence and biophysical properties (such as structural, functional, and spatial information, amino acid conservation, physicochemical variation, residue mobility, and thermodynamic stability) performed at Invitae indicates that this missense variant is not expected to disrupt SCN4A protein function. ClinVar contains an entry for this variant (Variation ID: 324515). This variant has not been reported in the literature in individuals affected with SCN4A-related conditions. This variant is present in population databases (rs531658524, gnomAD 0.06%). This sequence change replaces asparagine, which is neutral and polar, with serine, which is neutral and polar, at codon 1570 of the SCN4A protein (p.Asn1570Ser).

Ambry Genetics
Classification: Uncertain significance for Inborn genetic diseases. Last evaluated: 2021-12-03. Review status: criteria provided, single submitter. Criteria: Ambry Variant Classification Scheme 2023. Collection method: clinical testing. Allele origin: germline.

Illumina Laboratory Services, Illumina
Classification: Uncertain significance for Paramyotonia congenita of Von Eulenburg. Last evaluated: 2018-01-12. Review status: criteria provided, single submitter. Criteria: ICSL Variant Classification Criteria 13 December 2019. Collection method: clinical testing. Allele origin: germline.

Illumina Laboratory Services, Illumina
Classification: Uncertain significance for Hypokalemic periodic paralysis, type 2. Last evaluated: 2018-01-12. Review status: criteria provided, single submitter. Criteria: ICSL Variant Classification Criteria 13 December 2019. Collection method: clinical testing. Allele origin: germline.

Illumina Laboratory Services, Illumina
Classification: Uncertain significance for Hyperkalemic periodic paralysis. Last evaluated: 2018-01-12. Review status: criteria provided, single submitter. Criteria: ICSL Variant Classification Criteria 13 December 2019. Collection method: clinical testing. Allele origin: germline.

Illumina Laboratory Services, Illumina
Classification: Likely benign for Potassium-aggravated myotonia. Last evaluated: 2018-01-12. Review status: criteria provided, single submitter. Criteria: ICSL Variant Classification Criteria 13 December 2019. Collection method: clinical testing. Allele origin: germline.
Comment: This variant was observed in the ICSL laboratory as part of a predisposition screen in an ostensibly healthy population. It had not been previously curated by ICSL or reported in the Human Gene Mutation Database (HGMD: prior to June 1st, 2018), and was therefore a candidate for classification through an automated scoring system. Utilizing variant allele frequency, disease prevalence and penetrance estimates, and inheritance mode, an automated score was calculated to assess if this variant is too frequent to cause the disease. Based on the score and internal cut-off values, a variant classified as likely benign is not then subjected to further curation. The score for this variant resulted in a classification of likely benign for this disease.

Illumina Laboratory Services, Illumina
Classification: Uncertain significance for Congenital myasthenic syndrome 16. Last evaluated: 2018-01-12. Review status: criteria provided, single submitter. Criteria: ICSL Variant Classification Criteria 13 December 2019. Collection method: clinical testing. Allele origin: germline.

NM_000334.4(SCN4A):c.4709A>G (p.Asn1570Ser)

Genes: GH-LCR (growth hormone locus control region; plus strand), SCN4A (sodium voltage-gated channel alpha subunit 4; minus strand). Cytogenetic location: 17q23.3.
Variant type: single nucleotide variant.
Coding change: c.4709A>G on transcript NM_000334.4 (MANE Select); coding-DNA position 4709, A replaced by G.
Protein change: p.Asn1570Ser; replaces asparagine 1570 with serine.
Molecular consequence: missense variant.
Genome position (GRCh38, 1-based): chr17:63,941,573, T>C on the plus strand (A>G on the coding strand, the complement: SCN4A is on the minus strand). VCF-style: chr17-63941573-T-C. GRCh37 (hg19) VCF-style: chr17-62018933-T-C.
Other names: short protein forms N1570S.
Identifiers: ClinVar variation 324515 (VCV000324515.18), dbSNP rs531658524, ClinGen allele CA8708911.